The following is an entry in ClinVar:

ClinVar aggregate classification (germline): Likely benign. Review status: criteria provided, multiple submitters, no conflicts (2 of 4 stars). 3 submissions from 3 submitters: Likely benign (2). 1 of the submissions does not count toward it. Last evaluated 2024-04-03.

Conditions:
Charcot-Marie-Tooth disease type 4. Also called: Charcot-Marie-Tooth, Type 4; Charcot-Marie-Tooth disease, type IV. Identifiers: Orphanet 64749, MedGen C4082197, MONDO:0018995.
Charcot-Marie-Tooth disease. Also called: Charcot-Marie-Tooth Hereditary Neuropathy; Charcot-Marie-Tooth Neuropathy. Identifiers: Orphanet 166, MedGen C0007959, MONDO:0015626.
SBF2-related disorder. Also called: SBF2-related condition.

Allele frequency attached by ClinVar (database versions not stated): gnomAD exomes 0.00002; TOPMed 0.00002.
gnomAD v4.1: 36 of 1,613,976 alleles (0.0022%); highest among the groups gnomAD compares: Non-Finnish European, 0.0031%; no homozygotes.

Submissions (3):

Labcorp Genetics (formerly Invitae), Labcorp
Classification: Likely benign for Charcot-Marie-Tooth disease type 4. Last evaluated: 2024-04-03. Review status: criteria provided, single submitter. Criteria: Invitae Variant Classification Sherloc (09022015). Collection method: clinical testing. Allele origin: germline.

Molecular Genetics Laboratory, London Health Sciences Centre
Classification: Likely benign for Charcot-Marie-Tooth disease. Review status: criteria provided, single submitter. Criteria: ACMG Guidelines, 2015. Collection method: clinical testing. Allele origin: germline. Affected: yes.

PreventionGenetics, part of Exact Sciences
Classification: Likely benign for SBF2-related condition. Last evaluated: 2020-12-24. Review status: no assertion criteria provided. Collection method: clinical testing. Allele origin: germline. Not counted in ClinVar's aggregate classification.
Comment: This variant is classified as likely benign based on ACMG/AMP sequence variant interpretation guidelines (Richards et al. 2015 PMID: 25741868, with internal and published modifications).

NM_030962.4(SBF2):c.5451+8G>C

Genes: SBF2-AS1 (SBF2 antisense RNA 1; plus strand), SBF2 (SET binding factor 2; minus strand), LOC105369149 (uncharacterized LOC105369149; plus strand). Cytogenetic location: 11p15.4.
Variant type: single nucleotide variant.
Coding change: c.5451+8G>C on transcript NM_030962.4 (MANE Select); 8 bases into the intron after coding-DNA position 5451, G replaced by C.
Molecular consequence: intron variant.
Genome position (GRCh38, 1-based): chr11:9,781,499, C>G on the plus strand (G>C on the coding strand, the complement: SBF2 is on the minus strand). VCF-style: chr11-9781499-C-G. GRCh37 (hg19) VCF-style: chr11-9803046-C-G.
Other names: c.5322+8G>C (NM_001386342.1); c.5547+8G>C (NM_001386339.1).
Identifiers: ClinVar variation 917185 (VCV000917185.12), dbSNP rs948210964, ClinGen allele CA217603576.